The following is an entry in ClinVar:

ClinVar aggregate classification (germline): Benign/Likely benign. Review status: criteria provided, multiple submitters, no conflicts (2 of 4 stars). 3 submissions from 3 submitters: Benign (1); Likely benign (2). Last evaluated 2026-04-17.

Conditions:
DICER1-related tumor predisposition. Also called: DICER1 syndrome; DICER1-related pleuropulmonary blastoma cancer predisposition syndrome. Identifiers: Orphanet 284343, MedGen C3839822, MONDO:0100216.
Hereditary cancer-predisposing syndrome. Also called: Neoplastic Syndromes, Hereditary; Tumor predisposition; Hereditary Cancer Syndrome; Hereditary neoplastic syndrome. Identifiers: Orphanet 140162, MedGen C0027672, MeSH D009386, MONDO:0015356.

Allele frequency attached by ClinVar (database versions not stated): gnomAD exomes 0.00001.
gnomAD v4.1: 8 of 1,614,232 alleles (0.0005%); highest among the groups gnomAD compares: South Asian, 0.0088%; 1 homozygote.

Submissions (3):

Myriad Genetics, Inc.
Classification: Benign for DICER1-related tumor predisposition. Last evaluated: 2026-04-17. Review status: criteria provided, single submitter. Criteria: Myriad Autosomal Dominant, Autosomal Recessive and X-Linked Classification Criteria (2023). Collection method: clinical testing. Allele origin: unknown.
Comment: This variant is considered benign. This variant is a silent/synonymous amino acid change and it is not expected to impact splicing.

Labcorp Genetics (formerly Invitae), Labcorp
Classification: Likely benign for DICER1-related tumor predisposition. Last evaluated: 2025-05-19. Review status: criteria provided, single submitter. Criteria: Invitae Variant Classification Sherloc (09022015). Collection method: clinical testing. Allele origin: germline.

Ambry Genetics
Classification: Likely benign for Hereditary cancer-predisposing syndrome. Last evaluated: 2022-09-20. Review status: criteria provided, single submitter. Criteria: Ambry Variant Classification Scheme 2023. Collection method: clinical testing. Allele origin: germline.

NM_177438.3(DICER1):c.3636A>G (p.Gln1212=)

Gene: DICER1 (dicer 1, ribonuclease III; minus strand). Cytogenetic location: 14q32.13.
Variant type: single nucleotide variant.
Coding change: c.3636A>G on transcript NM_177438.3 (MANE Select); coding-DNA position 3636, A replaced by G.
Protein change: p.Gln1212=; no amino-acid change (glutamine 1212 retained).
Molecular consequence: synonymous variant.
Genome position (GRCh38, 1-based): chr14:95,103,760, T>C on the plus strand (A>G on the coding strand, the complement: DICER1 is on the minus strand). VCF-style: chr14-95103760-T-C. GRCh37 (hg19) VCF-style: chr14-95570097-T-C.
Other names: c.3636A>G, p.Gln1212= (NM_030621.4, NM_001195573.1, NM_001271282.3 and 1 more transcripts).
Identifiers: ClinVar variation 1102788 (VCV001102788.13), dbSNP rs1211747930, ClinGen allele CA487844973.